The following is an entry in ClinVar:

ClinVar aggregate classification (germline): Pathogenic/Likely pathogenic. Review status: criteria provided, multiple submitters, no conflicts (2 of 4 stars). 11 submissions from 11 submitters: Pathogenic (7); Likely pathogenic (2). 2 of the submissions do not count toward it. Last evaluated 2026-01-26.

Conditions:
OAT-related disorder. Also called: OAT-related condition.
Ornithine aminotransferase deficiency (GACR). Also called: OKT DEFICIENCY; Ornithine ketoacid aminotransferase deficiency; Gyrate atrophy; Gyrate atrophy of choroid and retina; Girate atrophy of the retina; HYPERORNITHINEMIA WITH GYRATE ATROPHY OF CHOROID AND RETINA. Identifiers: Orphanet 414, MedGen C0018425, MONDO:0009796, OMIM 258870.

Allele frequency attached by ClinVar (database versions not stated): ExAC 0.00001; gnomAD exomes 0.00002; TOPMed 0.00002; gnomAD 0.00005.
gnomAD v4.1: 100 of 1,613,872 alleles (0.0062%); highest among the groups gnomAD compares: Non-Finnish European, 0.0075%; no homozygotes.

Submissions (11):

Natera, Inc.
Classification: Pathogenic for Gyrate atrophy. Last evaluated: 2026-01-26. Review status: criteria provided, single submitter. Criteria: Natera Variant Classification Schema (03/2026). Collection method: clinical testing. Allele origin: germline.
Comment: The c.1250C>T variant in OAT is a missense variant predicted to cause substitution of proline to leucine at amino acid 417. This variant is rare in the general population with a frequency below the threshold expected for the associated phenotype(s). This variant has been observed in one or more individuals affected with the associated recessive disease, as either homozygous or compound heterozygous with a second variant (PMID: 22182799, 23076989, 29437727). Functional studies show that this variant may disrupt protein function (PMID: 1737786). Computational prediction algorithms indicate this variant is likely to affect gene or protein function. Given the available evidence, this variant is classified as Pathogenic.

Myriad Genetics, Inc.
Classification: Likely pathogenic for Ornithine aminotransferase deficiency. Last evaluated: 2025-05-31. Review status: criteria provided, single submitter. Criteria: Myriad Autosomal Dominant, Autosomal Recessive and X-Linked Classification Criteria (2023). Collection method: clinical testing. Allele origin: unknown.
Comment: NM_000274.3(OAT):c.1250C>T(P417L) is a missense variant classified as likely pathogenic in the context of ornithine aminotransferase deficiency. P417L has been observed in cases with relevant disease (PMID: 37667371, 22182799, 11346393, 23076989, 1737786, 39447872). Relevant functional assessments of this variant are available in the literature (PMID: 23076989, 1737786). P417L has been observed in referenced population frequency databases. In summary, NM_000274.3(OAT):c.1250C>T(P417L) is a missense variant that has functional support for pathogenicity and has been observed more frequently in cases with the relevant disease than in healthy populations. Please note: this variant was assessed in the context of healthy population screening.

PreventionGenetics, part of Exact Sciences
Classification: Pathogenic for OAT-related condition. Last evaluated: 2024-11-15. Review status: criteria provided, single submitter. Criteria: ACMG Guidelines, 2015. Collection method: clinical testing. Allele origin: germline.
Comment: The OAT c.1250C>T variant is predicted to result in the amino acid substitution p.Pro417Leu. This variant was reported in individuals with gyrate atrophy or inherited retinal disease (Brody et al. 1992. PubMed ID: 1737786; Doimo et al. 2012. PubMed ID: 23076989; Bell et al. 2021. PubMed ID: 33494148; supplementary data, Lin et al. 2024. PubMed ID: 38219857; Sergouniotis et al. 2011. PubMed ID: 22182799). In a yeast model, this variant was shown to result in loss-of-function (Doimo et al. 2012. PubMed ID: 23076989). This variant is reported in 0.0050% of alleles in individuals of East Asian descent in gnomAD. This variant is interpreted as pathogenic.

Blueprint Genetics
Classification: Pathogenic for OAT-related disorders. Last evaluated: 2024-06-18. Review status: criteria provided, single submitter. Criteria: ACMG Guidelines, 2015. Collection method: clinical testing. Allele origin: germline. Affected: yes. Observed: 5 variant alleles.

Fulgent Genetics
Classification: Likely pathogenic for Ornithine aminotransferase deficiency. Last evaluated: 2024-04-03. Review status: criteria provided, single submitter. Criteria: ACMG Guidelines, 2015. Collection method: clinical testing. Allele origin: germline.

Baylor Genetics
Classification: Pathogenic for Ornithine aminotransferase deficiency. Last evaluated: 2024-03-13. Review status: criteria provided, single submitter. Criteria: ACMG Guidelines, 2015. Collection method: clinical testing. Allele origin: unknown.

Labcorp Genetics (formerly Invitae), Labcorp
Classification: Pathogenic for Ornithine aminotransferase deficiency. Last evaluated: 2024-02-24. Review status: criteria provided, single submitter. Criteria: Invitae Variant Classification Sherloc (09022015). Collection method: clinical testing. Allele origin: germline.
Comment: This sequence change replaces proline, which is neutral and non-polar, with leucine, which is neutral and non-polar, at codon 417 of the OAT protein (p.Pro417Leu). This variant is present in population databases (rs121965044, gnomAD 0.005%). This missense change has been observed in individuals with gyrate atrophy (PMID: 1737786, 23076989). ClinVar contains an entry for this variant (Variation ID: 157). Advanced modeling of protein sequence and biophysical properties (such as structural, functional, and spatial information, amino acid conservation, physicochemical variation, residue mobility, and thermodynamic stability) performed at Invitae indicates that this missense variant is expected to disrupt OAT protein function with a positive predictive value of 80%. Experimental studies have shown that this missense change affects OAT function (PMID: 1737786, 23076989). For these reasons, this variant has been classified as Pathogenic.

Genome-Nilou Lab
Classification: Pathogenic for Ornithine aminotransferase deficiency. Last evaluated: 2021-07-22. Review status: criteria provided, single submitter. Criteria: ACMG Guidelines, 2015. Collection method: clinical testing. Allele origin: germline. Affected: no.

Illumina Laboratory Services, Illumina
Classification: Pathogenic for Ornithine aminotransferase deficiency. Last evaluated: 2017-04-28. Review status: criteria provided, single submitter. Criteria: ICSL Variant Classification Criteria 09 May 2019. Collection method: clinical testing. Allele origin: germline.
Comment: The OAT c.1250C>T (p.Pro417Leu) missense variant has been reported in three studies in which it is found in at least four individuals with ornithine aminotransferase deficiency including in three individuals in a compound heterozygous state, one of whom carried a third suspected benign variant in cis, as well as in one individual who was homozygous for the variant and carried the same presumed benign variant in cis (Brody et al. 1992; Sergouniotis et al. 2012; Doimo et al. 2013). Control data are unavailable for this variant, which is reported at a frequency of 0.00023 in the European American population of the Exome Sequencing Project but this is based on two alleles so the variant is presumed to be rare. The variant was expressed independently in Chinese hamster ovary (CHO) cells and yielded low levels of OAT antigen and absence of OAT activity (Brody et al. 1992). The p.Pro417Leu variant was also expressed in yeast and was found to have less than ten percent of OAT activity compared to wild type and failed to act as a functional complement to allow growth of a yeast strain containing a deletion variant of the CargB gene (Doimo et al. 2013). Based on the collective evidence, the p.Pro417Leu variant is classified as pathogenic for ornithine aminotransferase deficiency. This variant was observed by ICSL as part of a predisposition screen in an ostensibly healthy population.

OMIM
Classification: Pathogenic for GYRATE ATROPHY OF CHOROID AND RETINA. Last evaluated: 1992-02-15. Review status: no assertion criteria provided. Collection method: literature only. Allele origin: germline. Not counted in ClinVar's aggregate classification.

Juha Muilu Group; Institute for Molecular Medicine Finland (FIMM)
Classification: Likely pathogenic for Ornithine aminotransferase deficiency. Review status: no assertion criteria provided. Collection method: not provided. Allele origin: unknown. Not counted in ClinVar's aggregate classification.
Comment: FinDis database variant: This variant was not found or characterized by our laboratory, data were collected from public sources: see reference
ClinVar note: Converted during submission from probable-pathogenic to Likely pathogenic.

Literature cited by the submitters: PubMed 22182799 (cited by 3 submitters); PubMed 23076989 (cited by 4 submitters); PubMed 29437727 (cited by Natera, Inc.); PubMed 1737786 (cited by 5 submitters); PubMed 11346393 (cited by Myriad Genetics, Inc.); PubMed 37667371 (cited by Myriad Genetics, Inc.); PubMed 39447872 (cited by Myriad Genetics, Inc.).

NM_000274.4(OAT):c.1250C>T (p.Pro417Leu)

Gene: OAT (ornithine aminotransferase; minus strand). Cytogenetic location: 10q26.13.
Variant type: single nucleotide variant.
Coding change: c.1250C>T on transcript NM_000274.4 (MANE Select); coding-DNA position 1250, C replaced by T.
Protein change: p.Pro417Leu; replaces proline 417 with leucine.
Molecular consequence: missense variant.
Genome position (GRCh38, 1-based): chr10:124,398,012, G>A on the plus strand (C>T on the coding strand, the complement: OAT is on the minus strand). VCF-style: chr10-124398012-G-A. GRCh37 (hg19) VCF-style: chr10-126086581-G-A.
Other names: c.836C>T, p.Pro279Leu (NM_001171814.2); c.1250C>T, p.Pro417Leu (NM_001322965.2, NM_001322966.2, NM_001322967.2 and 3 more transcripts); c.929C>T, p.Pro310Leu (NM_001322971.2); c.650C>T, p.Pro217Leu (NM_001322974.2); short protein forms P417L, P279L, P310L, P217L.
Identifiers: ClinVar variation 157 (VCV000000157.28), dbSNP rs121965044, ClinGen allele CA113943.